The following is an entry in ClinVar:

NM_001367624.2(ZNF469):c.7494C>G (p.His2498Gln)

Gene: ZNF469 (zinc finger protein 469; plus strand). Cytogenetic location: 16q24.2.
Variant type: single nucleotide variant.
Coding change: c.7494C>G on transcript NM_001367624.2 (MANE Select); coding-DNA position 7494, C replaced by G.
Protein change: p.His2498Gln; replaces histidine 2498 with glutamine.
Molecular consequence: missense variant.
Genome position (GRCh38, 1-based): chr16:88,434,964, C>G. VCF-style: chr16-88434964-C-G. GRCh37 (hg19) VCF-style: chr16-88501372-C-G.
Other names: short protein forms H2498Q.
Identifiers: ClinVar variation 2101209 (VCV002101209.4), dbSNP rs2507596656, ClinGen allele CA397112784.

ClinVar aggregate classification (germline): Uncertain significance (1 of 4 stars; one submission).

Submission:

Labcorp Genetics (formerly Invitae), Labcorp
Classification: Uncertain significance. Last evaluated: 2024-10-28. Review status: criteria provided, single submitter. Criteria: Invitae Variant Classification Sherloc (09022015). Collection method: clinical testing. Allele origin: germline.
Comment: This sequence change replaces histidine, which is basic and polar, with glutamine, which is neutral and polar, at codon 2470 of the ZNF469 protein (p.His2470Gln). This variant is not present in population databases (gnomAD no frequency). This variant has not been reported in the literature in individuals affected with ZNF469-related conditions. ClinVar contains an entry for this variant (Variation ID: 2101209). An algorithm developed to predict the effect of missense changes on protein structure and function outputs the following: PolyPhen-2: "Benign". The glutamine amino acid residue is found in multiple mammalian species, which suggests that this missense change does not adversely affect protein function. In summary, the available evidence is currently insufficient to determine the role of this variant in disease. Therefore, it has been classified as a Variant of Uncertain Significance.